The following is an entry in ClinVar:

ClinVar aggregate classification (germline): Likely benign. Review status: criteria provided, multiple submitters, no conflicts (2 of 4 stars). 2 submissions from 2 submitters: Likely benign (2). Last evaluated 2025-11-07.

Conditions:
PRPF8-related disorder. Also called: PRPF8-related condition.

Allele frequency attached by ClinVar (database versions not stated): gnomAD 0.00001; gnomAD exomes 0.00001; ExAC 0.00001.
gnomAD v4.1: 28 of 1,613,988 alleles (0.0017%); highest among the groups gnomAD compares: African/African-American, 0.0027%; no homozygotes.

Submissions (2):

PreventionGenetics, part of Exact Sciences
Classification: Likely benign for PRPF8-related condition. Last evaluated: 2025-11-07. Review status: criteria provided, single submitter. Criteria: ACMG Guidelines, 2015. Collection method: clinical testing. Allele origin: germline.
Comment: This variant is classified as likely benign based on ACMG/AMP sequence variant interpretation guidelines (Richards et al. 2015 PMID: 25741868, with internal and published modifications).

Labcorp Genetics (formerly Invitae), Labcorp
Classification: Likely benign. Last evaluated: 2022-07-05. Review status: criteria provided, single submitter. Criteria: Invitae Variant Classification Sherloc (09022015). Collection method: clinical testing. Allele origin: germline.

NM_006445.4(PRPF8):c.6087C>T (p.Ile2029=)

Gene: PRPF8 (pre-mRNA processing factor 8; minus strand). Cytogenetic location: 17p13.3.
Variant type: single nucleotide variant.
Coding change: c.6087C>T on transcript NM_006445.4 (MANE Select); coding-DNA position 6087, C replaced by T.
Protein change: p.Ile2029=; no amino-acid change (isoleucine 2029 retained).
Molecular consequence: synonymous variant.
Genome position (GRCh38, 1-based): chr17:1,653,917, G>A on the plus strand (C>T on the coding strand, the complement: PRPF8 is on the minus strand). VCF-style: chr17-1653917-G-A. GRCh37 (hg19) VCF-style: chr17-1557211-G-A.
Other names: c.6087C>T (NM_006445.3).
Identifiers: ClinVar variation 1575848 (VCV001575848.9), dbSNP rs751137989, ClinGen allele CA8271262.